The following is an entry in ClinVar:

NM_006295.3(VARS1):c.219G>A (p.Thr73=)

Gene: VARS1 (valyl-tRNA synthetase 1; minus strand). Cytogenetic location: 6p21.33.
Variant type: single nucleotide variant.
Coding change: c.219G>A on transcript NM_006295.3 (MANE Select); coding-DNA position 219, G replaced by A.
Protein change: p.Thr73=; no amino-acid change (threonine 73 retained).
Molecular consequence: synonymous variant.
Genome position (GRCh38, 1-based): chr6:31,794,999, C>T on the plus strand (G>A on the coding strand, the complement: VARS1 is on the minus strand). VCF-style: chr6-31794999-C-T. GRCh37 (hg19) VCF-style: chr6-31762776-C-T.
Identifiers: ClinVar variation 3057932 (VCV003057932.2), dbSNP rs1207589918, ClinGen allele CA449804330.
Genomic context (GRCh38, chr6:31,794,999, plus strand): 5'-AGCCGCCCGGCTGCCCCCTGGGCCCCCCAGGCCTGCTGGCCACAGCAGCTGGGCCACAGC[C>T]GTGGCCCCCCACACCCAGAGCCCACCGGGCCCCTGCTCCAGGGCCGGCAGGCGGGGTGGG-3'
Protein context (NP_006286.1, residues 63-83): GPGGLWVWGA[Thr73=]AVAQLLWPAG

ClinVar aggregate classification (germline): Likely benign (0 of 4 stars; one submission).

Conditions:
VARS1-related disorder. Also called: VARS1-related condition.

Allele frequency attached by ClinVar (database versions not stated): TOPMed below 0.00001; gnomAD 0.00001.
gnomAD v4.1: 2 of 1,605,842 alleles (0.00012%); highest among the groups gnomAD compares: African/African-American, 0.0013%; no homozygotes.

Submission:

PreventionGenetics, part of Exact Sciences
Classification: Likely benign for VARS1-related condition. Last evaluated: 2019-04-09. Review status: no assertion criteria provided. Collection method: clinical testing. Allele origin: germline.
Comment: This variant is classified as likely benign based on ACMG/AMP sequence variant interpretation guidelines (Richards et al. 2015 PMID: 25741868, with internal and published modifications).